The following is an entry in ClinVar:

ClinVar aggregate classification (germline): Pathogenic (1 of 4 stars; one submission).

Conditions:
Alstrom syndrome (ALMS). Identifiers: Orphanet 64, MedGen C0268425, MONDO:0008763, OMIM 203800.

Submission:

Labcorp Genetics (formerly Invitae), Labcorp
Classification: Pathogenic for Alstrom syndrome. Last evaluated: 2022-11-12. Review status: criteria provided, single submitter. Criteria: Invitae Variant Classification Sherloc (09022015). Collection method: clinical testing. Allele origin: germline.
Comment: This sequence change creates a premature translational stop signal (p.Glu284*) in the ALMS1 gene. It is expected to result in an absent or disrupted protein product. Loss-of-function variants in ALMS1 are known to be pathogenic (PMID: 17594715). This variant is not present in population databases (gnomAD no frequency). This variant has not been reported in the literature in individuals affected with ALMS1-related conditions. For these reasons, this variant has been classified as Pathogenic.

Literature cited by the submitters: PubMed 17594715.

NM_001378454.1(ALMS1):c.847G>T (p.Glu283Ter)

Gene: ALMS1 (ALMS1 centrosome and basal body associated protein; plus strand). Cytogenetic location: 2p13.1.
Variant type: single nucleotide variant.
Coding change: c.847G>T on transcript NM_001378454.1 (MANE Select); coding-DNA position 847, G replaced by T.
Protein change: p.Glu283Ter; replaces glutamic acid 283 with a stop codon.
Molecular consequence: nonsense.
Genome position (GRCh38, 1-based): chr2:73,424,512, G>T. VCF-style: chr2-73424512-G-T. GRCh37 (hg19) VCF-style: chr2-73651640-G-T.
Other names: c.850G>T, p.Glu284Ter (NM_015120.4); short protein forms E283*, E284*.
Identifiers: ClinVar variation 2813724 (VCV002813724.3), dbSNP rs780066739, ClinGen allele CA347260612.